The following is an entry in ClinVar:

ClinVar aggregate classification (germline): Uncertain significance (1 of 4 stars; one submission).

Submission:

Labcorp Genetics (formerly Invitae), Labcorp
Classification: Uncertain significance. Last evaluated: 2023-08-28. Review status: criteria provided, single submitter. Criteria: Invitae Variant Classification Sherloc (09022015). Collection method: clinical testing. Allele origin: germline.
Comment: This sequence change replaces leucine, which is neutral and non-polar, with proline, which is neutral and non-polar, at codon 828 of the MSH3 protein (p.Leu828Pro). This variant is not present in population databases (gnomAD no frequency). In summary, the available evidence is currently insufficient to determine the role of this variant in disease. Therefore, it has been classified as a Variant of Uncertain Significance. An algorithm developed to predict the effect of missense changes on protein structure and function (PolyPhen-2) suggests that this variant is likely to be disruptive. This variant has not been reported in the literature in individuals affected with MSH3-related conditions.

NM_002439.5(MSH3):c.2483T>C (p.Leu828Pro)

Gene: MSH3 (mutS homolog 3; plus strand). Cytogenetic location: 5q14.1.
Variant type: single nucleotide variant.
Coding change: c.2483T>C on transcript NM_002439.5 (MANE Select); coding-DNA position 2483, T replaced by C.
Protein change: p.Leu828Pro; replaces leucine 828 with proline.
Molecular consequence: missense variant.
Genome position (GRCh38, 1-based): chr5:80,787,612, T>C. VCF-style: chr5-80787612-T-C. GRCh37 (hg19) VCF-style: chr5-80083431-T-C.
Other names: short protein forms L828P.
Identifiers: ClinVar variation 2755696 (VCV002755696.3), dbSNP rs2546784335, ClinGen allele CA360283197.
Genomic context (GRCh38, chr5:80,787,612, plus strand): 5'-GCTGCTTCCGTAGGAAATTCAGTGAACATTATCACTCCTTGTGTAAAGCAGTGCATCACC[T>C]AGCAACTGTTGACTGCATTTTCTCCCTGGCCAAGGTCGCTAAGCAAGGAGATTACTGCAG-3'
Protein context (NP_002430.3, residues 818-838): YHSLCKAVHH[Leu828Pro]ATVDCIFSLA